The following is an entry in ClinVar:

NM_032387.5(WNK4):c.1040T>C (p.Met347Thr)

Genes: WNK4 (WNK lysine deficient protein kinase 4; plus strand), LOC126862568 (CDK7 strongly-dependent group 2 enhancer GRCh37_chr17:40934948-40936147; plus strand). Cytogenetic location: 17q21.2.
Variant type: single nucleotide variant.
Coding change: c.1040T>C on transcript NM_032387.5 (MANE Select); coding-DNA position 1040, T replaced by C.
Protein change: p.Met347Thr; replaces methionine 347 with threonine.
Molecular consequence: missense variant.
Genome position (GRCh38, 1-based): chr17:42,784,449, T>C. VCF-style: chr17-42784449-T-C. GRCh37 (hg19) VCF-style: chr17-40936467-T-C.
Other names: c.121T>C, p.Cys41Arg (NM_001321299.2); short protein forms C41R, M347T.
Identifiers: ClinVar variation 3581994 (VCV003581994.3).

ClinVar aggregate classification (germline): Uncertain significance. Review status: criteria provided, multiple submitters, no conflicts (2 of 4 stars). 2 submissions from 2 submitters: Uncertain significance (2). Last evaluated 2024-04-10.

Conditions:
Pseudohypoaldosteronism type 2B (PHA2B). Also called: Pseudohypoaldosteronism Type IIB. Identifiers: Orphanet 757, Orphanet 88939, MedGen C1840390, MONDO:0013777, OMIM 614491.

Submissions (2):

Fulgent Genetics
Classification: Uncertain significance for Pseudohypoaldosteronism type 2B. Last evaluated: 2024-04-10. Review status: criteria provided, single submitter. Criteria: ACMG Guidelines, 2015. Collection method: clinical testing. Allele origin: germline.

Labcorp Genetics (formerly Invitae), Labcorp
Classification: Uncertain significance. Last evaluated: 2024-02-17. Review status: criteria provided, single submitter. Criteria: Invitae Variant Classification Sherloc (09022015). Collection method: clinical testing. Allele origin: germline.
Comment: This sequence change replaces methionine, which is neutral and non-polar, with threonine, which is neutral and polar, at codon 347 of the WNK4 protein (p.Met347Thr). This variant is present in population databases (no rsID available, gnomAD 0.007%). This variant has not been reported in the literature in individuals affected with WNK4-related conditions. Experimental studies and prediction algorithms are not available or were not evaluated, and the functional significance of this variant is currently unknown. In summary, the available evidence is currently insufficient to determine the role of this variant in disease. Therefore, it has been classified as a Variant of Uncertain Significance.